The following is an entry in ClinVar:

ClinVar aggregate classification (germline): Likely pathogenic (1 of 4 stars; one submission).

Allele frequency attached by ClinVar (database versions not stated): ExAC 0.00002.
gnomAD v4.1: 17 of 1,613,588 alleles (0.0011%); highest among the groups gnomAD compares: South Asian, 0.0022%; no homozygotes.

Submission:

Labcorp Genetics (formerly Invitae), Labcorp
Classification: Likely pathogenic. Last evaluated: 2022-08-30. Review status: criteria provided, single submitter. Criteria: Invitae Variant Classification Sherloc (09022015). Collection method: clinical testing. Allele origin: germline.
Comment: This sequence change replaces alanine, which is neutral and non-polar, with threonine, which is neutral and polar, at codon 304 of the COQ8A protein (p.Ala304Thr). This variant is present in population databases (rs778798354, gnomAD 0.01%). In summary, the currently available evidence indicates that the variant is pathogenic, but additional data are needed to prove that conclusively. Therefore, this variant has been classified as Likely Pathogenic. This variant disrupts the p.Ala304 amino acid residue in COQ8A. Other variant(s) that disrupt this residue have been determined to be pathogenic (PMID: 22036850, 27142713, 29482223). This suggests that this residue is clinically significant, and that variants that disrupt this residue are likely to be disease-causing. Advanced modeling of protein sequence and biophysical properties (such as structural, functional, and spatial information, amino acid conservation, physicochemical variation, residue mobility, and thermodynamic stability) performed at Invitae indicates that this missense variant is expected to disrupt COQ8A protein function. This variant is also known as c.911G>A. This missense change has been observed in individual(s) with clinical features of coenzyme Q10 deficiency (PMID: 22036850).

Literature cited by the submitters: PubMed 22036850; PubMed 27142713; PubMed 29482223.

NM_020247.5(COQ8A):c.910G>A (p.Ala304Thr)

Gene: COQ8A (coenzyme Q8A; plus strand). Cytogenetic location: 1q42.13.
Variant type: single nucleotide variant.
Coding change: c.910G>A on transcript NM_020247.5 (MANE Select); coding-DNA position 910, G replaced by A.
Protein change: p.Ala304Thr; replaces alanine 304 with threonine.
Molecular consequence: missense variant.
Genome position (GRCh38, 1-based): chr1:226,982,734, G>A. VCF-style: chr1-226982734-G-A. GRCh37 (hg19) VCF-style: chr1-227170435-G-A.
Other names: short protein forms A304T.
Identifiers: ClinVar variation 2202994 (VCV002202994.4), dbSNP rs778798354, ClinGen allele CA1425211.